The following is an entry in ClinVar:

ClinVar aggregate classification (germline): Pathogenic (1 of 4 stars; one submission).

Conditions:
Hereditary cancer-predisposing syndrome. Also called: Neoplastic Syndromes, Hereditary; Tumor predisposition; Hereditary neoplastic syndrome; Hereditary Cancer Syndrome. Identifiers: Orphanet 140162, MedGen C0027672, MeSH D009386, MONDO:0015356.
Cardiovascular phenotype. Identifiers: MedGen CN230736.

Submission:

Ambry Genetics
Classification: Pathogenic for Cardiovascular phenotype; Hereditary cancer-predisposing syndrome. Last evaluated: 2023-09-08. Review status: criteria provided, single submitter. Criteria: Ambry Variant Classification Scheme 2023. Collection method: clinical testing. Allele origin: germline.
Comment: The c.6553_6556delACAGinsCA pathogenic mutation, located in coding exon 42 of the NF1 gene, results from the deletion of 4 nucleotides and insertion of two nucleotides causing a translational frameshift with a predicted alternate stop codon (p.T2185Qfs*35). This variant is considered to be rare based on population cohorts in the Genome Aggregation Database (gnomAD). This alteration is expected to result in loss of function by premature protein truncation or nonsense-mediated mRNA decay. As such, this alteration is interpreted as a disease-causing mutation.

NM_001042492.3(NF1):c.6616_6619delinsCA (p.Thr2206fs)

Gene: NF1 (neurofibromin 1; plus strand). Cytogenetic location: 17q11.2.
Variant type: Indel.
Coding change: c.6616_6619delinsCA on transcript NM_001042492.3 (MANE Select); coding-DNA positions 6616 to 6619, ACAG replaced by CA.
Protein change: p.Thr2206fs; shifts the reading frame from threonine 2206.
Molecular consequence: frameshift variant.
Genome position (GRCh38, 1-based): chr17:31,337,556-31,337,559, ACAG replaced by CA. VCF-style: chr17-31337556-ACAG-CA. GRCh37 (hg19) VCF-style: chr17-29664574-ACAG-CA.
Other names: c.6553_6556delACAGinsCA (NM_000267.3); c.6553_6556delACAGinsCA, p.Thr2185Glnfs (NM_000267.4); short protein forms T2185fs, T2206fs.
Identifiers: ClinVar variation 3237889 (VCV003237889.1), dbSNP rs2508754527.
Genomic context (GRCh38, chr17:31,337,556, plus strand): 5'-TCATTCTCTCCTGGCTCCTATGAGAGAGAGACTTTTGCTTTGACATCCTTGGAAACAGTC[ACAG>CA]AAGCTTTGTTGGAGATCATGGAGGTATAGAAGCCAAAATGATAAGAAACTAAGTTAAAAT-3'